The following is an entry in ClinVar:

NM_024408.4(NOTCH2):c.6414G>A (p.Lys2138=)

Gene: NOTCH2 (notch receptor 2; minus strand). Cytogenetic location: 1p12.
Variant type: single nucleotide variant.
Coding change: c.6414G>A on transcript NM_024408.4 (MANE Select); coding-DNA position 6414, G replaced by A.
Protein change: p.Lys2138=; no amino-acid change (lysine 2138 retained).
Molecular consequence: synonymous variant.
Genome position (GRCh38, 1-based): chr1:119,916,308, C>T on the plus strand (G>A on the coding strand, the complement: NOTCH2 is on the minus strand). VCF-style: chr1-119916308-C-T. GRCh37 (hg19) VCF-style: chr1-120458931-C-T.
Other names: c.6414G>A (NM_024408.3).
Identifiers: ClinVar variation 2888693 (VCV002888693.5), dbSNP rs775001683, ClinGen allele CA1039431.

ClinVar aggregate classification (germline): Likely benign. Review status: criteria provided, multiple submitters, no conflicts (2 of 4 stars). 3 submissions from 3 submitters: Likely benign (3). Last evaluated 2025-05-30.

Conditions:
NOTCH2-related disorder. Also called: NOTCH2-related condition.
Hajdu-Cheney syndrome (HJCYS). Also called: Acroosteolysis dominant type; SERPENTINE FIBULA-POLYCYSTIC KIDNEY SYNDROME; ACROOSTEOLYSIS WITH OSTEOPOROSIS AND CHANGES IN SKULL AND MANDIBLE. Identifiers: Orphanet 955, MedGen C0917715, MONDO:0007057, OMIM 102500.

Allele frequency attached by ClinVar (database versions not stated): gnomAD exomes below 0.00001; TOPMed below 0.00001; gnomAD 0.00001; ExAC 0.00002.
gnomAD v4.1: 7 of 1,614,094 alleles (0.00043%); highest among the groups gnomAD compares: Middle Eastern, 0.049%; no homozygotes.

Submissions (3):

PreventionGenetics, part of Exact Sciences
Classification: Likely benign for NOTCH2-related condition. Last evaluated: 2025-05-30. Review status: criteria provided, single submitter. Criteria: ACMG Guidelines, 2015. Collection method: clinical testing. Allele origin: germline.
Comment: This variant is classified as likely benign based on ACMG/AMP sequence variant interpretation guidelines (Richards et al. 2015 PMID: 25741868, with internal and published modifications).

Labcorp Genetics (formerly Invitae), Labcorp
Classification: Likely benign for Hajdu-Cheney syndrome. Last evaluated: 2025-05-14. Review status: criteria provided, single submitter. Criteria: Invitae Variant Classification Sherloc (09022015). Collection method: clinical testing. Allele origin: germline.

Blueprint Genetics
Classification: Likely benign. Last evaluated: 2022-09-02. Review status: criteria provided, single submitter. Criteria: ACMG Guidelines, 2015. Collection method: clinical testing. Allele origin: germline.